The following is an entry in ClinVar:

NM_001099403.2(PRDM8):c.1739C>T (p.Ala580Val)

Gene: PRDM8 (PR/SET domain 8; plus strand). Cytogenetic location: 4q21.21.
Variant type: single nucleotide variant.
Coding change: c.1739C>T on transcript NM_001099403.2 (MANE Select); coding-DNA position 1739, C replaced by T.
Protein change: p.Ala580Val; replaces alanine 580 with valine.
Molecular consequence: missense variant.
Genome position (GRCh38, 1-based): chr4:80,203,201, C>T. VCF-style: chr4-80203201-C-T. GRCh37 (hg19) VCF-style: chr4-81124355-C-T.
Other names: c.1739C>T, p.Ala580Val (NM_020226.4); short protein forms A580V.
Identifiers: ClinVar variation 1515800 (VCV001515800.8), dbSNP rs1325853079, ClinGen allele CA357402472.

ClinVar aggregate classification (germline): Uncertain significance (1 of 4 stars; one submission).

Conditions:
Early-onset Lafora body disease. Also called: Epilepsy, progressive myoclonic, 10. Identifiers: Orphanet 324290, MedGen C4225258, MONDO:0014717, OMIM 616640.

gnomAD v4.1: 1 of 1,551,432 alleles (0.000064%); highest among the groups gnomAD compares: South Asian, 0.0012%; no homozygotes.

Submission:

Labcorp Genetics (formerly Invitae), Labcorp
Classification: Uncertain significance for Early-onset Lafora body disease. Last evaluated: 2021-07-02. Review status: criteria provided, single submitter. Criteria: Invitae Variant Classification Sherloc (09022015). Collection method: clinical testing. Allele origin: germline.
Comment: In summary, the available evidence is currently insufficient to determine the role of this variant in disease. Therefore, it has been classified as a Variant of Uncertain Significance. Algorithms developed to predict the effect of missense changes on protein structure and function (SIFT, PolyPhen-2, Align-GVGD) all suggest that this variant is likely to be tolerated. This sequence change replaces alanine with valine at codon 580 of the PRDM8 protein (p.Ala580Val). The alanine residue is moderately conserved and there is a small physicochemical difference between alanine and valine. The frequency data for this variant in the population databases is considered unreliable, as metrics indicate insufficient coverage at this position in the ExAC database. This variant has not been reported in the literature in individuals affected with PRDM8-related conditions.